The following is an entry in ClinVar:

ClinVar aggregate classification (germline): Uncertain significance (1 of 4 stars; one submission).

Allele frequency attached by ClinVar (database versions not stated): gnomAD exomes below 0.00001; ExAC 0.00001.

Submission:

Labcorp Genetics (formerly Invitae), Labcorp
Classification: Uncertain significance. Last evaluated: 2023-09-14. Review status: criteria provided, single submitter. Criteria: Invitae Variant Classification Sherloc (09022015). Collection method: clinical testing. Allele origin: germline.
Comment: In summary, the available evidence is currently insufficient to determine the role of this variant in disease. Therefore, it has been classified as a Variant of Uncertain Significance. An algorithm developed to predict the effect of missense changes on protein structure and function (PolyPhen-2) suggests that this variant is likely to be disruptive. This variant has not been reported in the literature in individuals affected with HSD3B7-related conditions. This variant is present in population databases (rs770905161, gnomAD 0.0009%). This sequence change replaces glycine, which is neutral and non-polar, with glutamic acid, which is acidic and polar, at codon 181 of the HSD3B7 protein (p.Gly181Glu).

NM_025193.4(HSD3B7):c.542G>A (p.Gly181Glu)

Gene: HSD3B7 (hydroxy-delta-5-steroid dehydrogenase, 3 beta- and steroid delta-isomerase 7; plus strand). Cytogenetic location: 16p11.2.
Variant type: single nucleotide variant.
Coding change: c.542G>A on transcript NM_025193.4 (MANE Select); coding-DNA position 542, G replaced by A.
Protein change: p.Gly181Glu; replaces glycine 181 with glutamic acid.
Molecular consequence: missense variant. On other transcripts: intron variant (2).
Genome position (GRCh38, 1-based): chr16:30,986,850, G>A. VCF-style: chr16-30986850-G-A. GRCh37 (hg19) VCF-style: chr16-30998171-G-A.
Other names: c.531+146G>A (NM_001142777.2, NM_001142778.2); short protein forms G181E.
Identifiers: ClinVar variation 2867965 (VCV002867965.3), dbSNP rs770905161, ClinGen allele CA8018035.
Genomic context (GRCh38, chr16:30,986,850, plus strand): 5'-GAGCAAGCTGTCGGGTCCCAGGTCTCAGCAGTACCTGCCTTTGCCACCAGGTCCGTGGGG[G>A]GCTGCCCCTGGTGACGTGTGCCCTTCGTCCCACGGGCATCTACGGTGAAGGCCACCAGAT-3'
Protein context (NP_079469.2, residues 171-191): LEANGRKVRG[Gly181Glu]LPLVTCALRP